The following is an entry in ClinVar:

ClinVar aggregate classification (germline): Uncertain significance (1 of 4 stars; one submission).

Conditions:
Cystic fibrosis (CF). Also called: MUCOVISCIDOSIS. Identifiers: Orphanet 586, MedGen C0010674, MONDO:0009061, OMIM 219700. Disease mechanism: loss of function.

Submission:

Ambry Genetics
Classification: Uncertain significance for Cystic fibrosis. Last evaluated: 2022-05-03. Review status: criteria provided, single submitter. Criteria: Ambry Variant Classification Scheme 2023. Collection method: clinical testing. Allele origin: germline.
Comment: The p.L183H variant (also known as c.548T>A), located in coding exon 5 of the CFTR gene, results from a T to A substitution at nucleotide position 548. The leucine at codon 183 is replaced by histidine, an amino acid with similar properties. This amino acid position is conserved. In addition, this alteration is predicted to be deleterious by in silico analysis. Since supporting evidence is limited at this time, the clinical significance of this alteration remains unclear.

NM_000492.4(CFTR):c.548T>A (p.Leu183His)

Gene: CFTR (CF transmembrane conductance regulator; plus strand). Cytogenetic location: 7q31.2.
Variant type: single nucleotide variant.
Coding change: c.548T>A on transcript NM_000492.4 (MANE Select); coding-DNA position 548, T replaced by A.
Protein change: p.Leu183His; replaces leucine 183 with histidine.
Molecular consequence: missense variant.
Genome position (GRCh38, 1-based): chr7:117,534,334, T>A. VCF-style: chr7-117534334-T-A. GRCh37 (hg19) VCF-style: chr7-117174388-T-A.
Other names: short protein forms L183H.
Identifiers: ClinVar variation 1747849 (VCV001747849.2), dbSNP rs2485014540, ClinGen allele CA368976499.